The following is an entry in ClinVar:

ClinVar aggregate classification (germline): Uncertain significance (1 of 4 stars; one submission).

Allele frequency attached by ClinVar (database versions not stated): TOPMed 0.00002; ExAC 0.00003; ESP Exome Variant Server 0.00008.
gnomAD v4.1: 42 of 1,613,736 alleles (0.0026%); highest among the groups gnomAD compares: Non-Finnish European, 0.0031%; no homozygotes.

Submission:

GeneDx
Classification: Uncertain significance. Last evaluated: 2016-11-23. Review status: criteria provided, single submitter. Criteria: GeneDx Variant Classification (06012015). Collection method: clinical testing. Allele origin: germline. Affected: yes.
Comment: The R429H variant in the ASB18 gene has not been reported previously as a pathogenic variant, nor as a benign variant, to our knowledge. The R429H variant was not observed at any significant frequency in approximately 6400 individuals of European and African American ancestry in the NHLBI Exome Sequencing Project, indicating it is not a common benign variant in these populations. The R429H variant is a conservative amino acid substitution, which is not likely to impact secondary protein structure as these residues share similar properties. This substitution occurs at a position that is conserved across species, and in silico analysis predicts this variant is probably damaging to the protein structure/function. We interpret R429H as a variant of uncertain significance.

NM_212556.4(ASB18):c.1286G>A (p.Arg429His)

Genes: ASB18 (ankyrin repeat and SOCS box containing 18; minus strand), GBX2-AS1 (GBX2 and ASB18 antisense RNA 1; plus strand). Cytogenetic location: 2q37.2.
Variant type: single nucleotide variant.
Coding change: c.1286G>A on transcript NM_212556.4 (MANE Select); coding-DNA position 1286, G replaced by A.
Protein change: p.Arg429His; replaces arginine 429 with histidine.
Molecular consequence: missense variant.
Genome position (GRCh38, 1-based): chr2:236,194,987, C>T on the plus strand (G>A on the coding strand, the complement: ASB18 is on the minus strand). VCF-style: chr2-236194987-C-T. GRCh37 (hg19) VCF-style: chr2-237103630-C-T.
Other names: short protein forms R429H.
Identifiers: ClinVar variation 373441 (VCV000373441.1), dbSNP rs376567222, ClinGen allele CA2185601.
Genomic context (GRCh38, chr2:236,194,987, plus strand): 5'-AAGGGTAACAGGGGGATGAGGTCAAAGCACCTTTTGCCAAACAGTCTGCGAAGAGCACAG[C>T]GGCAAAGATGCTGCAGGCAGCGTGGGGTGAGGGCCAAGGCAAAGAGGGACTGGTAGAACG-3'
Protein context (NP_997721.2, residues 419-439): LTPRCLQHLC[Arg429His]CALRRLFGKR